The following is an entry in ClinVar:

NM_005751.5(AKAP9):c.3504A>G (p.Glu1168=)

Gene: AKAP9 (A-kinase anchoring protein 9; plus strand). Cytogenetic location: 7q21.2.
Variant type: single nucleotide variant.
Coding change: c.3504A>G on transcript NM_005751.5 (MANE Select); coding-DNA position 3504, A replaced by G.
Protein change: p.Glu1168=; no amino-acid change (glutamic acid 1168 retained).
Molecular consequence: synonymous variant.
Genome position (GRCh38, 1-based): chr7:92,012,614, A>G. VCF-style: chr7-92012614-A-G. GRCh37 (hg19) VCF-style: chr7-91641928-A-G.
Other names: p.E1168E:GAA>GAG; c.3504A>G, p.Glu1168= (NM_147185.3).
Identifiers: ClinVar variation 136350 (VCV000136350.31), dbSNP rs13245393, ClinGen allele CA163169.
Genomic context (GRCh38, chr7:92,012,614, plus strand): 5'-AGAGCTTATTTTTGCTCAAGAGGAAAAGATCAAGGAACTTCAGAAAATACACCAGTTAGA[A>G]CTACAGACTATGAAAACACAAGAAACAGGTAAAATGGTTTCTGACTTATAAGTACCATGA-3'
Protein context (NP_005742.4, residues 1158-1178): IKELQKIHQL[Glu1168=]LQTMKTQETG

ClinVar aggregate classification (germline): Benign/Likely benign. Review status: criteria provided, multiple submitters, no conflicts (2 of 4 stars). 11 submissions from 11 submitters: Benign (8); Likely benign (1). 2 of the submissions do not count toward it. Last evaluated 2026-02-04.

Conditions:
Cardiovascular phenotype. Identifiers: MedGen CN230736.
Long QT syndrome (LQTS). Identifiers: MedGen C0023976, MeSH D008133, MONDO:0002442. Disease mechanism: loss of function. Inheritance: Various modes of inheritance.
Long QT syndrome 11 (LQT11). Identifiers: Orphanet 101016, Orphanet 768, MedGen C2678483, MONDO:0012738, OMIM 611820.

Allele frequency attached by ClinVar (database versions not stated): 1000 Genomes Project 0.37380; 1000 Genomes Project 30x 0.37711; gnomAD exomes 0.37882 and 0.38627; ExAC 0.38378; gnomAD 0.41602 and 0.42036; TOPMed 0.41730; ESP Exome Variant Server 0.44180.
gnomAD v4.1: 626,906 of 1,610,690 alleles (39%); highest among the groups gnomAD compares: African/African-American, 52%; 124,580 homozygotes.

Submissions (11):

Labcorp Genetics (formerly Invitae), Labcorp
Classification: Benign for Long QT syndrome. Last evaluated: 2026-02-04. Review status: criteria provided, single submitter. Criteria: Invitae Variant Classification Sherloc (09022015). Collection method: clinical testing. Allele origin: germline.

Blueprint Genetics
Classification: Benign. Last evaluated: 2024-11-27. Review status: criteria provided, single submitter. Criteria: ACMG Guidelines, 2015. Collection method: clinical testing. Allele origin: germline.

Genome-Nilou Lab
Classification: Benign for Long QT syndrome 11. Last evaluated: 2021-12-05. Review status: criteria provided, single submitter. Criteria: ACMG Guidelines, 2015. Collection method: clinical testing. Allele origin: germline. Affected: no.

Women's Health and Genetics/Laboratory Corporation of America, LabCorp
Classification: Benign. Last evaluated: 2019-08-09. Review status: criteria provided, single submitter. Criteria: LabCorp Variant Classification Summary - May 2015. Collection method: clinical testing. Allele origin: germline.

Ambry Genetics
Classification: Benign for Cardiovascular phenotype. Last evaluated: 2015-06-18. Review status: criteria provided, single submitter. Criteria: Ambry Variant Classification Scheme 2023. Collection method: clinical testing. Allele origin: germline.

Eurofins Ntd Llc (ga)
Classification: Benign. Last evaluated: 2015-06-08. Review status: criteria provided, single submitter. Criteria: EGL Classification Definitions 2015. Collection method: clinical testing. Allele origin: germline. Observed: 1 variant allele, 1 heterozygote.

GeneDx
Classification: Benign. Last evaluated: 2011-07-10. Review status: criteria provided, single submitter. Criteria: GeneDx Variant Classification (06012015). Collection method: clinical testing. Allele origin: germline. Affected: yes.
Comment: This variant is considered likely benign or benign based on one or more of the following criteria: it is a conservative change, it occurs at a poorly conserved position in the protein, it is predicted to be benign by multiple in silico algorithms, and/or has population frequency not consistent with disease.

Breakthrough Genomics
Classification: Likely benign. Review status: criteria provided, single submitter. Criteria: ACMG Guidelines, 2015. Collection method: not provided. Allele origin: germline. Inheritance: Autosomal dominant inheritance. Affected: yes.

PreventionGenetics, part of Exact Sciences
Classification: Benign. Review status: criteria provided, single submitter. Criteria: ACMG Guidelines, 2015. Collection method: clinical testing. Allele origin: germline.

Clinical Genetics, Academic Medical Center
Classification: Benign. Review status: no assertion criteria provided. Collection method: clinical testing. Allele origin: germline. Affected: yes. Study: VKGL Data-share Consensus. Not counted in ClinVar's aggregate classification.

Diagnostic Laboratory, Department of Genetics, University Medical Center Groningen
Classification: Benign for Long QT syndrome 11. Review status: no assertion criteria provided. Collection method: clinical testing. Allele origin: germline. Affected: yes. Study: VKGL Data-share Consensus. Not counted in ClinVar's aggregate classification.